The following is an entry in ClinVar:

NM_001387430.1(SH2B1):c.1278A>G (p.Gly426=)

Gene: SH2B1 (SH2B adaptor protein 1; plus strand). Cytogenetic location: 16p11.2.
Variant type: single nucleotide variant.
Coding change: c.1278A>G on transcript NM_001387430.1 (MANE Select); coding-DNA position 1278, A replaced by G.
Protein change: p.Gly426=; no amino-acid change (glycine 426 retained).
Molecular consequence: synonymous variant.
Genome position (GRCh38, 1-based): chr16:28,869,352, A>G. VCF-style: chr16-28869352-A-G. GRCh37 (hg19) VCF-style: chr16-28880673-A-G.
Other names: c.1278A>G, p.Gly426= (NM_001145795.2, NM_001145796.2, NM_001145797.2 and 4 more transcripts); c.270A>G, p.Gly90= (NM_001308294.2).
Identifiers: ClinVar variation 4999111 (VCV004999111.1).

ClinVar aggregate classification (germline): Likely benign (1 of 4 stars; one submission).

Conditions:
SH2B1-related disorder. Also called: SH2B1-related condition.

Submission:

PreventionGenetics, part of Exact Sciences
Classification: Likely benign for SH2B1-related condition. Last evaluated: 2025-03-20. Review status: criteria provided, single submitter. Criteria: ACMG Guidelines, 2015. Collection method: clinical testing. Allele origin: germline.
Comment: This variant is classified as likely benign based on ACMG/AMP sequence variant interpretation guidelines (Richards et al. 2015 PMID: 25741868, with internal and published modifications).